The following is an entry in ClinVar:

ClinVar aggregate classification (germline): Uncertain significance (1 of 4 stars; one submission).

Conditions:
Deficiency of aromatic-L-amino-acid decarboxylase. Also called: DDC DEFICIENCY; DOPA DECARBOXYLASE DEFICIENCY; Aromatic L-Amino Acid Decarboxylase Deficiency; AADC DEFICIENCY; Aromatic amino acid decarboxylase deficiency. Identifiers: Orphanet 35708, MedGen C1291564, MONDO:0012084, OMIM 608643.

Allele frequency attached by ClinVar (database versions not stated): gnomAD exomes below 0.00001.
gnomAD v4.1: 3 of 1,612,566 alleles (0.00019%); highest among the groups gnomAD compares: Admixed American, 0.005%; no homozygotes.

Submission:

Labcorp Genetics (formerly Invitae), Labcorp
Classification: Uncertain significance for Deficiency of aromatic-L-amino-acid decarboxylase. Last evaluated: 2026-01-12. Review status: criteria provided, single submitter. Criteria: Invitae Variant Classification Sherloc (09022015). Collection method: clinical testing. Allele origin: germline.
Comment: This sequence change replaces isoleucine, which is neutral and non-polar, with threonine, which is neutral and polar, at codon 343 of the DDC protein (p.Ile343Thr). This variant is present in population databases (no rsID available, gnomAD 0.003%). This variant has not been reported in the literature in individuals affected with DDC-related conditions. ClinVar contains an entry for this variant (Variation ID: 1982732). Invitae Evidence Modeling of protein sequence and biophysical properties (such as structural, functional, and spatial information, amino acid conservation, physicochemical variation, residue mobility, and thermodynamic stability) indicates that this missense variant is not expected to disrupt DDC protein function with a negative predictive value of 80%. In summary, the available evidence is currently insufficient to determine the role of this variant in disease. Therefore, it has been classified as a Variant of Uncertain Significance.

NM_001082971.2(DDC):c.1028T>C (p.Ile343Thr)

Gene: DDC (dopa decarboxylase; minus strand). Cytogenetic location: 7p12.2.
Variant type: single nucleotide variant.
Coding change: c.1028T>C on transcript NM_001082971.2 (MANE Select); coding-DNA position 1028, T replaced by C.
Protein change: p.Ile343Thr; replaces isoleucine 343 with threonine.
Molecular consequence: missense variant.
Genome position (GRCh38, 1-based): chr7:50,476,637, A>G on the plus strand (T>C on the coding strand, the complement: DDC is on the minus strand). VCF-style: chr7-50476637-A-G. GRCh37 (hg19) VCF-style: chr7-50544335-A-G.
Other names: c.1028T>C, p.Ile343Thr (NM_000790.4); c.914T>C, p.Ile305Thr (NM_001242886.2); c.884T>C, p.Ile295Thr (NM_001242887.2); c.794T>C, p.Ile265Thr (NM_001242888.2); c.749T>C, p.Ile250Thr (NM_001242889.2); short protein forms I250T, I295T, I305T, I343T, I265T.
Identifiers: ClinVar variation 1982732 (VCV001982732.3), dbSNP rs1262571160, ClinGen allele CA367534755.
Genomic context (GRCh38, chr7:50,476,637, plus strand): 5'-CCAGCACTCCACTAGCATTTGAGATTACAGTGGAATCTCCCACTTACCCGGTAGTCAGTG[A>G]TAAGCCCTGGAGAAAAGAGAAAGAAAAAGAAAAAAGAAATCGTTAGACAGGTTTGTTGAT-3'
Protein context (NP_001076440.2, residues 333-353): LKHSHQDSGL[Ile343Thr]TDYRHWQIPL